The following is an entry in ClinVar:

ClinVar aggregate classification (germline): Uncertain significance (1 of 4 stars; one submission).

Conditions:
Inborn genetic diseases. Identifiers: MedGen C0950123, MeSH D030342.

Submission:

Ambry Genetics
Classification: Uncertain significance for Inborn genetic diseases. Last evaluated: 2020-08-10. Review status: criteria provided, single submitter. Criteria: Ambry Variant Classification Scheme 2023. Collection method: clinical testing. Allele origin: germline.
Comment: The p.S359P variant (also known as c.1075T>C), located in coding exon 12 of the KCNT1 gene, results from a T to C substitution at nucleotide position 1075. The serine at codon 359 is replaced by proline, an amino acid with similar properties. This amino acid position is well conserved in available vertebrate species. In addition, the in silico prediction for this alteration is inconclusive. Since supporting evidence is limited at this time, the clinical significance of this alteration remains unclear.

NM_020822.3(KCNT1):c.1075T>C (p.Ser359Pro)

Gene: KCNT1 (potassium sodium-activated channel subfamily T member 1; plus strand). Cytogenetic location: 9q34.3.
Variant type: single nucleotide variant.
Coding change: c.1075T>C on transcript NM_020822.3 (MANE Select); coding-DNA position 1075, T replaced by C.
Protein change: p.Ser359Pro; replaces serine 359 with proline.
Molecular consequence: missense variant.
Genome position (GRCh38, 1-based): chr9:135,765,070, T>C. VCF-style: chr9-135765070-T-C. GRCh37 (hg19) VCF-style: chr9-138656916-T-C.
Other names: c.940T>C, p.Ser314Pro (NM_001272003.2); short protein forms S359P, S314P.
Identifiers: ClinVar variation 1784757 (VCV001784757.2), dbSNP rs1588342781, ClinGen allele CA375499957.